The following is an entry in ClinVar:

ClinVar aggregate classification (germline): Pathogenic/Likely pathogenic. Review status: criteria provided, multiple submitters, no conflicts (2 of 4 stars). 2 submissions from 2 submitters: Pathogenic (1); Likely pathogenic (1). Last evaluated 2026-02-12.

Conditions:
Hypophosphatasia. Also called: Phosphoethanol-aminuria. Identifiers: Orphanet 436, MedGen C0020630, MeSH D007014, MONDO:0018570.

Submissions (2):

JKU Lab, Dept of Paediatrics, Johannes Kepler University
Classification: Likely pathogenic for Hypophosphatasia. Last evaluated: 2026-02-12. Review status: criteria provided, single submitter. Criteria: ACMG Guidelines, 2015. Collection method: curation. Allele origin: germline. Affected: yes.
Comment: This frameshift variant is not present in GnomAD 4.1 and affects a highly conserved amino acid. The REVEL score is not aplicable. Splice-prediction algorithms predict no effect on splicing. This variant has been reported in the literature in individuals affected with ALPL-related conditions (PMID:37600704;36361766;15694177).

Genomenon, Inc
Classification: Pathogenic for Hypophosphatasia. Last evaluated: 2025-08-29. Review status: criteria provided, single submitter. Criteria: Genomenon Sequence Variant Interpretation Standards. Collection method: curation. Allele origin: germline. Affected: yes.
Comment: ALPL p.Ser310PhefsTer28 (c.928dup) is a frameshift variant that results in the production of a truncated protein which is predicted to undergo nonsense-mediated mRNA decay. This variant has been observed in at least one proband affected with hypophosphatasia (PMID:37600704). It is absent or not present at a significant frequency in gnomAD. In conclusion, we classify ALPL p.Ser310PhefsTer28 (c.928dup) as a pathogenic variant.

Literature cited by the submitters: PubMed 37600704 (cited by JKU Lab, Dept of Paediatrics, Johannes Kepler University and Genomenon, Inc); PubMed 36361766 (cited by JKU Lab, Dept of Paediatrics, Johannes Kepler University); PubMed 15694177 (cited by JKU Lab, Dept of Paediatrics, Johannes Kepler University).

NM_000478.6(ALPL):c.928dup (p.Ser310fs)

Gene: ALPL (alkaline phosphatase, biomineralization associated; plus strand). Cytogenetic location: 1p36.12.
Variant type: Duplication.
Coding change: c.928dup on transcript NM_000478.6 (MANE Select); coding-DNA position 928, one base duplicated (T; older notation c.928dupT).
Protein change: p.Ser310fs; shifts the reading frame from serine 310.
Molecular consequence: frameshift variant.
Genome position (GRCh38, 1-based): chr1:21,573,730, T duplicated. VCF-style (leftmost placement, unchanged base first): chr1-21573729-C-CT. GRCh37 (hg19) VCF-style: chr1-21900222-C-CT.
Other names: c.928dupT (NM_000478.6); c.763dup, p.Ser255fs (NM_001127501.4); c.697dup, p.Ser233fs (NM_001177520.3); c.928dup, p.Ser310fs (NM_001369803.2, NM_001369804.2, NM_001369805.2); short protein forms S233fs, S255fs, S310fs.
Identifiers: ClinVar variation 4086849 (VCV004086849.2).